The following is an entry in ClinVar:

NM_020964.3(EPG5):c.3470A>G (p.His1157Arg)

Gene: EPG5 (ectopic P-granules 5 autophagy tethering factor; minus strand). Cytogenetic location: 18q21.1.
Variant type: single nucleotide variant.
Coding change: c.3470A>G on transcript NM_020964.3 (MANE Select); coding-DNA position 3470, A replaced by G.
Protein change: p.His1157Arg; replaces histidine 1157 with arginine.
Molecular consequence: missense variant.
Genome position (GRCh38, 1-based): chr18:45,916,121, T>C on the plus strand (A>G on the coding strand, the complement: EPG5 is on the minus strand). VCF-style: chr18-45916121-T-C. GRCh37 (hg19) VCF-style: chr18-43496086-T-C.
Other names: c.3470A>G, p.His1157Arg (NM_001410858.1, NM_001410859.1); short protein forms H1157R.
Identifiers: ClinVar variation 1947917 (VCV001947917.4), dbSNP rs767595730, ClinGen allele CA8949159.

ClinVar aggregate classification (germline): Uncertain significance (1 of 4 stars; one submission).

Conditions:
Vici syndrome (VICIS). Identifiers: Orphanet 1493, MedGen C1855772, MONDO:0009452, OMIM 242840.

Allele frequency attached by ClinVar (database versions not stated): ExAC 0.00001; gnomAD 0.00002; TOPMed 0.00003.
gnomAD v4.1: 8 of 1,614,082 alleles (0.0005%); highest among the groups gnomAD compares: African/African-American, 0.0053%; no homozygotes.

Submission:

Labcorp Genetics (formerly Invitae), Labcorp
Classification: Uncertain significance for Vici syndrome. Last evaluated: 2022-02-05. Review status: criteria provided, single submitter. Criteria: Invitae Variant Classification Sherloc (09022015). Collection method: clinical testing. Allele origin: germline.
Comment: This sequence change replaces histidine, which is basic and polar, with arginine, which is basic and polar, at codon 1157 of the EPG5 protein (p.His1157Arg). This variant is present in population databases (rs767595730, gnomAD 0.008%). This variant has not been reported in the literature in individuals affected with EPG5-related conditions. Algorithms developed to predict the effect of missense changes on protein structure and function (SIFT, PolyPhen-2, Align-GVGD) all suggest that this variant is likely to be tolerated. In summary, the available evidence is currently insufficient to determine the role of this variant in disease. Therefore, it has been classified as a Variant of Uncertain Significance.